The following is an entry in ClinVar:

NM_006941.4(SOX10):c.322A>G (p.Met108Val)

Genes: POLR2F (RNA polymerase II, I and III subunit F; plus strand), SOX10 (SRY-box transcription factor 10; minus strand). Cytogenetic location: 22q13.1.
Variant type: single nucleotide variant.
Coding change: c.322A>G on transcript NM_006941.4 (MANE Select); coding-DNA position 322, A replaced by G.
Protein change: p.Met108Val; replaces methionine 108 with valine.
Molecular consequence: missense variant. On other transcripts: intron variant (3).
Genome position (GRCh38, 1-based): chr22:37,983,463, T>C on the plus strand (A>G on the coding strand, the complement: SOX10 is on the minus strand). VCF-style: chr22-37983463-T-C. GRCh37 (hg19) VCF-style: chr22-38379470-T-C.
Other names: c.*38+11153T>C (NM_001363825.1); c.294-2691T>C (NM_001301130.2); c.293+16293T>C (NM_001301131.2); short protein forms M108V.
Identifiers: ClinVar variation 3340373 (VCV003340373.2).

ClinVar aggregate classification (germline): Conflicting classifications of pathogenicity. Review status: criteria provided, conflicting classifications (1 of 4 stars). 2 submissions from 2 submitters: Likely pathogenic (1); Uncertain significance (1). Last evaluated 2025-01-09.

Conditions:
Waardenburg syndrome type 4C (WS4C). Also called: WAARDENBURG SYNDROME WITH HIRSCHSPRUNG DISEASE, TYPE 4C. Identifiers: Orphanet 897, MedGen C2750452, MONDO:0013202, OMIM 613266.

Submissions (2):

Institute of Rare Diseases, West China Hospital, Sichuan University
Classification: Likely pathogenic for Waardenburg syndrome type 4C. Last evaluated: 2025-01-09. Review status: criteria provided, single submitter. Criteria: ClinGen HL ACMG Specifications v1. Collection method: research. Allele origin: germline. Affected: yes.
Comment: PM1;PM5;PM2_Supporting;PP3

GeneDx
Classification: Uncertain significance. Last evaluated: 2023-12-21. Review status: criteria provided, single submitter. Criteria: GeneDx Variant Classification Process June 2021. Collection method: clinical testing. Allele origin: germline. Affected: yes.
Comment: Not observed at significant frequency in large population cohorts (gnomAD); In silico analysis supports that this missense variant has a deleterious effect on protein structure/function; Has not been previously published as pathogenic or benign to our knowledge